The following is an entry in ClinVar:

ClinVar aggregate classification (germline): Uncertain significance (1 of 4 stars; one submission).

Submission:

Ambry Genetics
Classification: Uncertain significance. Last evaluated: 2023-08-26. Review status: criteria provided, single submitter. Criteria: Ambry Variant Classification Scheme 2023. Collection method: clinical testing. Allele origin: germline.
Comment: The p.F2495L variant (also known as c.7485C>G), located in coding exon 28 of the POLQ gene, results from a C to G substitution at nucleotide position 7485. The phenylalanine at codon 2495 is replaced by leucine, an amino acid with highly similar properties. This amino acid position is conserved. In addition, this alteration is predicted to be tolerated by in silico analysis. Since supporting evidence is limited at this time, the clinical significance of this alteration remains unclear.

NM_199420.4(POLQ):c.7485C>G (p.Phe2495Leu)

Gene: POLQ (DNA polymerase theta; minus strand). Cytogenetic location: 3q13.33.
Variant type: single nucleotide variant.
Coding change: c.7485C>G on transcript NM_199420.4 (MANE Select); coding-DNA position 7485, C replaced by G.
Protein change: p.Phe2495Leu; replaces phenylalanine 2495 with leucine.
Molecular consequence: missense variant.
Genome position (GRCh38, 1-based): chr3:121,436,180, G>C on the plus strand (C>G on the coding strand, the complement: POLQ is on the minus strand). VCF-style: chr3-121436180-G-C. GRCh37 (hg19) VCF-style: chr3-121155027-G-C.
Other names: short protein forms F2495L.
Identifiers: ClinVar variation 2624463 (VCV002624463.2), dbSNP rs140535924, ClinGen allele CA354095817.